The following is an entry in ClinVar:

ClinVar aggregate classification (germline): not provided (0 of 4 stars; one submission).

Conditions:
Large for gestational age. Identifiers: MedGen C1848395, HP:0001520.

Submission:

Institute of Molecular and Cell Biology, University of Tartu
No classification provided. Condition: Large for gestational age. Review status: no classification provided. Collection method: case-control. Allele origin: unknown. Affected: yes. Study: Kasak2014.
Comment: The study aimed to determine the contribution of copy number variants in the genetic etiology of normal and complicated pregnancies. The samples represented (i) maternal blood DNA drawn from healthy pregnant women during 1st or 2nd trimester and (ii) maternal and paternal blood DNA drawn at term pregnancy cases representing normal and complicated gestations (severe preeclampsia, PE; gestational diabetes, GD; small-for-gestational age newborn, SGA; large-for-gestational age newborn, LGA). We performed CNV calling based on genome-wide genotyping dataset (Illumina HumanOmniExpress-24-v1 BeadChip) by applying three algorithms, QuantiSNP, GADA (Genome Alteration Detection Algorithm) and CNstream in parallel. The acquired CNV calls were merged with HD-CNV (Hotspot Detector for Copy Number Variants) program and only the CNVs predicted by at least two programs, were considered in subsequent analysis.

Literature cited by the submitters: PubMed 25666259.

NC_000002.11:g.242812080_243048760del

Gene: RTP5 (receptor transporter protein 5 (putative); plus strand). Cytogenetic location: 2q37.3.
Variant type: Deletion.
Identifiers: ClinVar variation 156828 (VCV000156828.2).